The following is an entry in ClinVar:

NM_024915.4(GRHL2):c.1568G>C (p.Gly523Ala)

Genes: GRHL2 (grainyhead like transcription factor 2; plus strand), LOC126860461 (CDK7 strongly-dependent group 2 enhancer GRCh37_chr8:102655529-102656728; plus strand). Cytogenetic location: 8q22.3.
Variant type: single nucleotide variant.
Coding change: c.1568G>C on transcript NM_024915.4 (MANE Select); coding-DNA position 1568, G replaced by C.
Protein change: p.Gly523Ala; replaces glycine 523 with alanine.
Molecular consequence: missense variant.
Genome position (GRCh38, 1-based): chr8:101,644,181, G>C. VCF-style: chr8-101644181-G-C. GRCh37 (hg19) VCF-style: chr8-102656409-G-C.
Other names: c.1520G>C, p.Gly507Ala (NM_001330593.2); short protein forms G507A, G523A.
Identifiers: ClinVar variation 1505862 (VCV001505862.8), dbSNP rs2129669130, ClinGen allele CA371591910.

ClinVar aggregate classification (germline): Uncertain significance (1 of 4 stars; one submission).

Submission:

Labcorp Genetics (formerly Invitae), Labcorp
Classification: Uncertain significance. Last evaluated: 2024-02-24. Review status: criteria provided, single submitter. Criteria: Invitae Variant Classification Sherloc (09022015). Collection method: clinical testing. Allele origin: germline.
Comment: This sequence change replaces glycine, which is neutral and non-polar, with alanine, which is neutral and non-polar, at codon 523 of the GRHL2 protein (p.Gly523Ala). This variant is not present in population databases (gnomAD no frequency). This variant has not been reported in the literature in individuals affected with GRHL2-related conditions. ClinVar contains an entry for this variant (Variation ID: 1505862). Advanced modeling of protein sequence and biophysical properties (such as structural, functional, and spatial information, amino acid conservation, physicochemical variation, residue mobility, and thermodynamic stability) performed at Invitae indicates that this missense variant is not expected to disrupt GRHL2 protein function with a negative predictive value of 80%. In summary, the available evidence is currently insufficient to determine the role of this variant in disease. Therefore, it has been classified as a Variant of Uncertain Significance.